The following is an entry in ClinVar:

ClinVar aggregate classification (germline): Uncertain significance. Review status: criteria provided, multiple submitters, no conflicts (2 of 4 stars). 2 submissions from 2 submitters: Uncertain significance (2). Last evaluated 2024-11-24.

Conditions:
Inborn genetic diseases. Identifiers: MedGen C0950123, MeSH D030342.
Lymphoproliferative syndrome 1 (LPFS1). Identifiers: Orphanet 238505, Orphanet 538963, MedGen C3552634, MONDO:0013081, OMIM 613011.

gnomAD v4.1: 11 of 1,613,630 alleles (0.00068%); highest among the groups gnomAD compares: Non-Finnish European, 0.00085%; no homozygotes.

Submissions (2):

Ambry Genetics
Classification: Uncertain significance for Inborn genetic diseases. Last evaluated: 2024-11-24. Review status: criteria provided, single submitter. Criteria: Ambry Variant Classification Scheme 2023. Collection method: clinical testing. Allele origin: germline.

Labcorp Genetics (formerly Invitae), Labcorp
Classification: Uncertain significance for Lymphoproliferative syndrome 1. Last evaluated: 2024-03-12. Review status: criteria provided, single submitter. Criteria: Invitae Variant Classification Sherloc (09022015). Collection method: clinical testing. Allele origin: germline.
Comment: This sequence change replaces alanine, which is neutral and non-polar, with serine, which is neutral and polar, at codon 308 of the ITK protein (p.Ala308Ser). This variant is present in population databases (rs771829181, gnomAD 0.007%). This variant has not been reported in the literature in individuals affected with ITK-related conditions. Advanced modeling of protein sequence and biophysical properties (such as structural, functional, and spatial information, amino acid conservation, physicochemical variation, residue mobility, and thermodynamic stability) performed at Invitae indicates that this missense variant is not expected to disrupt ITK protein function with a negative predictive value of 80%. In summary, the available evidence is currently insufficient to determine the role of this variant in disease. Therefore, it has been classified as a Variant of Uncertain Significance.

NM_005546.4(ITK):c.922G>T (p.Ala308Ser)

Gene: ITK (IL2 inducible T cell kinase; plus strand). Cytogenetic location: 5q33.3.
Variant type: single nucleotide variant.
Coding change: c.922G>T on transcript NM_005546.4 (MANE Select); coding-DNA position 922, G replaced by T.
Protein change: p.Ala308Ser; replaces alanine 308 with serine.
Molecular consequence: missense variant.
Genome position (GRCh38, 1-based): chr5:157,240,132, G>T. VCF-style: chr5-157240132-G-T. GRCh37 (hg19) VCF-style: chr5-156667142-G-T.
Other names: short protein forms A308S.
Identifiers: ClinVar variation 3530785 (VCV003530785.3).
Genomic context (GRCh38, chr5:157,240,132, plus strand): 5'-CCCTGTATAAAGCATTATCACATCAAGGAAACAAATGACAATCCTAAGCGATACTATGTG[G>T]CTGAAAAGTATGTGTTCGATTCCATCCCTCTTCTCATCAACTATCACCAACATAATGGAG-3'
Protein context (NP_005537.3, residues 298-318): TNDNPKRYYV[Ala308Ser]EKYVFDSIPL